The following is an entry in ClinVar:

NM_000307.5(POU3F4):c.896del (p.Lys299fs)

Gene: POU3F4 (POU class 3 homeobox 4; plus strand). Cytogenetic location: Xq21.1.
Variant type: Deletion.
Coding change: c.896del on transcript NM_000307.5 (MANE Select); coding-DNA position 896, one base deleted (A; older notation c.896delA).
Protein change: p.Lys299fs; shifts the reading frame from lysine 299.
Molecular consequence: frameshift variant.
Genome position (GRCh38, 1-based): chrX:83,509,220, A deleted; the last of 2 consecutive A bases (chrX:83,509,219-83,509,220); deleting either gives the same sequence. VCF-style (leftmost placement, unchanged base first): chrX-83509218-CA-C. GRCh37 (hg19) VCF-style: chrX-82764226-CA-C.
Other names: L298*; short protein forms K299fs.
Identifiers: ClinVar variation 156303 (VCV000156303.1), dbSNP rs267606974, ClinGen allele CA270743.

ClinVar aggregate classification (germline): Pathogenic. Review status: no assertion criteria provided (0 of 4 stars). 2 submissions from 2 submitters: Pathogenic (1). 1 of the submissions does not count toward it. Last evaluated 1995-02-03.

Conditions:
X-linked mixed hearing loss with perilymphatic gusher. Also called: Gusher syndrome; NANCE DEAFNESS; PERILYMPHATIC GUSHER-DEAFNESS SYNDROME; SENSORINEURAL DEAFNESS, PROFOUND, WITH OR WITHOUT A CONDUCTIVE COMPONENT, ASSOCIATED WITH A UNIQUE DEVELOPMENTAL ABNORMALITY OF THE EAR; Deafness, X-linked 2. Identifiers: Orphanet 383, MedGen C1844678, MONDO:0010576, OMIM 304400.

Submissions (2):

OMIM
Classification: Pathogenic for DEAFNESS, X-LINKED 2. Last evaluated: 1995-02-03. Review status: no assertion criteria provided. Collection method: literature only. Allele origin: germline.

ClinVar Staff, National Center for Biotechnology Information (NCBI)
No classification provided. Condition: Deafness, X-linked 2. Review status: no classification provided. Collection method: not provided. Allele origin: not provided. Not counted in ClinVar's aggregate classification.
Comment: This deletion does not give Leu298Ter - must be error in PMID 7839145

Literature cited by the submitters: PubMed 7839145 (cited by OMIM).